The following is an entry in ClinVar:

NM_001267550.2(TTN):c.82241G>A (p.Arg27414Gln)

Genes: TTN (titin; minus strand), TTN-AS1 (TTN antisense RNA 1; plus strand). Cytogenetic location: 2q31.2.
Variant type: single nucleotide variant.
Coding change: c.82241G>A on transcript NM_001267550.2 (MANE Select); coding-DNA position 82241, G replaced by A.
Protein change: p.Arg27414Gln; replaces arginine 27414 with glutamine.
Molecular consequence: missense variant.
Genome position (GRCh38, 1-based): chr2:178,563,891, C>T on the plus strand (G>A on the coding strand, the complement: TTN is on the minus strand). VCF-style: chr2-178563891-C-T. GRCh37 (hg19) VCF-style: chr2-179428618-C-T.
Other names: c.77318G>A, p.Arg25773Gln (NM_001256850.1); c.55046G>A, p.Arg18349Gln (NM_003319.4); c.74537G>A, p.Arg24846Gln (NM_133378.4); c.55421G>A, p.Arg18474Gln (NM_133432.3); c.55622G>A, p.Arg18541Gln (NM_133437.4); short protein forms R18474Q, R18349Q, R25773Q, R24846Q, R27414Q, R18541Q.
Identifiers: ClinVar variation 894232 (VCV000894232.9), dbSNP rs763336230, ClinGen allele CA1989102.

ClinVar aggregate classification (germline): Conflicting classifications of pathogenicity. Review status: criteria provided, conflicting classifications (1 of 4 stars). 8 submissions from 4 submitters: Uncertain significance (4); Benign (2); Likely benign (2). Last evaluated 2025-07-25.

Conditions:
Myopathy, myofibrillar, 9, with early respiratory failure (MFM9). Also called: Myopathy, distal, with early respiratory failure, autosomal dominant; Hereditary myopathy with early respiratory failure; EDSTROM MYOPATHY; MYOPATHY, PROXIMAL, WITH EARLY RESPIRATORY MUSCLE INVOLVEMENT. Identifiers: Orphanet 178464, Orphanet 34521, MedGen C1863599, MONDO:0011362, OMIM 603689.
TTN-related disorder. Also called: TTN-related condition; TTN-related disease; TTN-related disorders.
Autosomal recessive limb-girdle muscular dystrophy type 2J (LGMDR10). Also called: MUSCULAR DYSTROPHY, LIMB-GIRDLE, AUTOSOMAL RECESSIVE 10; Limb-girdle muscular dystrophy, type 2J. Identifiers: Orphanet 140922, MedGen C1837342, MONDO:0012127, OMIM 608807.
Tibial muscular dystrophy (TMD). Also called: UDD MYOPATHY; Udd Distal Myopathy – Tibial Muscular Dystrophy; Tibial muscular dystrophy, tardive. Identifiers: Orphanet 609, MedGen C1838244, MONDO:0010870, OMIM 600334.
Cardiovascular phenotype. Identifiers: MedGen CN230736.
Early-onset myopathy with fatal cardiomyopathy (CMYO5). Also called: CONGENITAL MYOPATHY 5 WITH CARDIOMYOPATHY; Salih Myopathy. Identifiers: Orphanet 289377, MedGen C2673677, MONDO:0012714, OMIM 611705. Disease mechanism: loss of function.
Dilated cardiomyopathy 1G (CMD1G). Identifiers: Orphanet 154, MedGen C1858763, MONDO:0011400, OMIM 604145.

Allele frequency attached by ClinVar (database versions not stated): ExAC 0.00003; gnomAD 0.00003; gnomAD exomes 0.00003 and 0.00004; TOPMed 0.00003.
gnomAD v4.1: 41 of 1,613,590 alleles (0.0025%); highest among the groups gnomAD compares: Admixed American, 0.01%; no homozygotes.

Submissions (8):

PreventionGenetics, part of Exact Sciences
Classification: Uncertain significance for TTN-related condition. Last evaluated: 2025-07-25. Review status: criteria provided, single submitter. Criteria: ACMG Guidelines, 2015. Collection method: clinical testing. Allele origin: germline.
Comment: The TTN c.82241G>A variant is predicted to result in the amino acid substitution p.Arg27414Gln. To our knowledge, this variant has not been reported in the literature. This variant is reported in 0.014% of alleles in individuals of Latino descent in gnomAD. At this time, the clinical significance of this variant is uncertain due to the absence of conclusive functional and genetic evidence.

Ambry Genetics
Classification: Likely benign for Cardiovascular phenotype. Last evaluated: 2019-09-23. Review status: criteria provided, single submitter. Criteria: Ambry Variant Classification Scheme 2023. Collection method: clinical testing. Allele origin: germline.

GeneDx
Classification: Likely benign. Last evaluated: 2019-02-21. Review status: criteria provided, single submitter. Criteria: GeneDx Variant Classification Process June 2021. Collection method: clinical testing. Allele origin: germline. Affected: yes.

Illumina Laboratory Services, Illumina
Classification: Benign for Myopathy, myofibrillar, 9, with early respiratory failure. Last evaluated: 2018-01-13. Review status: criteria provided, single submitter. Criteria: ICSL Variant Classification Criteria 13 December 2019. Collection method: clinical testing. Allele origin: germline.
Comment: This variant was observed in the ICSL laboratory as part of a predisposition screen in an ostensibly healthy population. It had not been previously curated by ICSL or reported in the Human Gene Mutation Database (HGMD: prior to June 1st, 2018), and was therefore a candidate for classification through an automated scoring system. Utilizing variant allele frequency, disease prevalence and penetrance estimates, and inheritance mode, an automated score was calculated to assess if this variant is too frequent to cause the disease. Based on the score and internal cut-off values, a variant classified as benign is not then subjected to further curation. The score for this variant resulted in a classification of benign for this disease.

Illumina Laboratory Services, Illumina
Classification: Benign for Tibial muscular dystrophy. Last evaluated: 2018-01-13. Review status: criteria provided, single submitter. Criteria: ICSL Variant Classification Criteria 13 December 2019. Collection method: clinical testing. Allele origin: germline.
Comment: the same text as in the submission from Illumina Laboratory Services, Illumina above.

Illumina Laboratory Services, Illumina
Classification: Uncertain significance for Autosomal recessive limb-girdle muscular dystrophy type 2J. Last evaluated: 2018-01-13. Review status: criteria provided, single submitter. Criteria: ICSL Variant Classification Criteria 13 December 2019. Collection method: clinical testing. Allele origin: germline.

Illumina Laboratory Services, Illumina
Classification: Uncertain significance for Early-onset myopathy with fatal cardiomyopathy. Last evaluated: 2018-01-13. Review status: criteria provided, single submitter. Criteria: ICSL Variant Classification Criteria 13 December 2019. Collection method: clinical testing. Allele origin: germline.

Illumina Laboratory Services, Illumina
Classification: Uncertain significance for Dilated cardiomyopathy 1G. Last evaluated: 2018-01-13. Review status: criteria provided, single submitter. Criteria: ICSL Variant Classification Criteria 13 December 2019. Collection method: clinical testing. Allele origin: germline.